The following is an entry in ClinVar:

NM_006445.4(PRPF8):c.230C>A (p.Thr77Asn)

Gene: PRPF8 (pre-mRNA processing factor 8; minus strand). Cytogenetic location: 17p13.3.
Variant type: single nucleotide variant.
Coding change: c.230C>A on transcript NM_006445.4 (MANE Select); coding-DNA position 230, C replaced by A.
Protein change: p.Thr77Asn; replaces threonine 77 with asparagine.
Molecular consequence: missense variant.
Genome position (GRCh38, 1-based): chr17:1,683,572, G>T on the plus strand (C>A on the coding strand, the complement: PRPF8 is on the minus strand). VCF-style: chr17-1683572-G-T. GRCh37 (hg19) VCF-style: chr17-1586866-G-T.
Other names: short protein forms T77N.
Identifiers: ClinVar variation 4681070 (VCV004681070.1).

ClinVar aggregate classification (germline): Uncertain significance (1 of 4 stars; one submission).

Submission:

GeneDx
Classification: Uncertain significance. Last evaluated: 2025-07-03. Review status: criteria provided, single submitter. Criteria: GeneDx Variant Classification Process June 2021. Collection method: clinical testing. Allele origin: germline. Affected: yes.
Comment: Not observed at significant frequency in large population cohorts (gnomAD); In silico analysis suggests that this missense variant does not alter protein structure/function; Has not been previously published as pathogenic or benign to our knowledge